The following is an entry in ClinVar:

NM_004544.4(NDUFA10):c.1000-12409C>G

Gene: NDUFA10 (NADH:ubiquinone oxidoreductase subunit A10; minus strand). Cytogenetic location: 2q37.3.
Variant type: single nucleotide variant.
Coding change: c.1000-12409C>G on transcript NM_004544.4 (MANE Select); 12409 bases into the intron before coding-DNA position 1000, C replaced by G.
Molecular consequence: intron variant. On other transcripts: missense variant (1).
Genome position (GRCh38, 1-based): chr2:239,973,595, G>C on the plus strand (C>G on the coding strand, the complement: NDUFA10 is on the minus strand). VCF-style: chr2-239973595-G-C. GRCh37 (hg19) VCF-style: chr2-240913012-G-C.
Other names: c.1066C>G, p.Arg356Gly (NM_001322019.2); c.891-12409C>G (NM_001322020.2); c.1000-3833C>G (NM_001410987.1); short protein forms R356G.
Identifiers: ClinVar variation 2671953 (VCV002671953.3), dbSNP rs144489062, ClinGen allele CA2200667.

ClinVar aggregate classification (germline): Uncertain significance. Review status: criteria provided, single submitter (1 of 4 stars). 2 submissions from 2 submitters: Uncertain significance (1). 1 of the submissions does not count toward it. Last evaluated 2023-09-15.

Conditions:
Mitochondrial complex I deficiency, nuclear type 22. Also called: Mitochondrial complex 1 deficiency, nuclear type 22. Identifiers: MedGen C4748796, MONDO:0032626, OMIM 618243.
NDUFA10-related disorder. Also called: NDUFA10-related condition.

Allele frequency attached by ClinVar (database versions not stated): 1000 Genomes Project 30x 0.00281; 1000 Genomes Project 0.00300.
gnomAD v4.1: 776 of 469,846 alleles (0.17%); highest among the groups gnomAD compares: Middle Eastern, 0.72%; 2 homozygotes.

Submissions (2):

Baylor Genetics
Classification: Uncertain significance for Mitochondrial complex I deficiency, nuclear type 22. Last evaluated: 2023-09-15. Review status: criteria provided, single submitter. Criteria: ACMG Guidelines, 2015. Collection method: clinical testing. Allele origin: unknown.

PreventionGenetics, part of Exact Sciences
Classification: Likely benign for NDUFA10-related condition. Last evaluated: 2020-03-09. Review status: no assertion criteria provided. Collection method: clinical testing. Allele origin: germline. Not counted in ClinVar's aggregate classification.
Comment: This variant is classified as likely benign based on ACMG/AMP sequence variant interpretation guidelines (Richards et al. 2015 PMID: 25741868, with internal and published modifications).